The following is an entry in ClinVar:

NM_006012.4(CLPP):c.43T>C (p.Cys15Arg)

Gene: CLPP (caseinolytic mitochondrial matrix peptidase proteolytic subunit; plus strand). Cytogenetic location: 19p13.3.
Variant type: single nucleotide variant.
Coding change: c.43T>C on transcript NM_006012.4 (MANE Select); coding-DNA position 43, T replaced by C.
Protein change: p.Cys15Arg; replaces cysteine 15 with arginine.
Molecular consequence: missense variant.
Genome position (GRCh38, 1-based): chr19:6,361,617, T>C. VCF-style: chr19-6361617-T-C. GRCh37 (hg19) VCF-style: chr19-6361628-T-C.
Other names: short protein forms C15R.
Identifiers: ClinVar variation 1942387 (VCV001942387.5), dbSNP rs1461380390, ClinGen allele CA403586003.

ClinVar aggregate classification (germline): Uncertain significance (1 of 4 stars; one submission).

Allele frequency attached by ClinVar (database versions not stated): TOPMed below 0.00001; gnomAD 0.00001.

Submission:

Labcorp Genetics (formerly Invitae), Labcorp
Classification: Uncertain significance. Last evaluated: 2023-02-15. Review status: criteria provided, single submitter. Criteria: Invitae Variant Classification Sherloc (09022015). Collection method: clinical testing. Allele origin: germline.
Comment: In summary, the available evidence is currently insufficient to determine the role of this variant in disease. Therefore, it has been classified as a Variant of Uncertain Significance. An algorithm developed to predict the effect of missense changes on protein structure and function (PolyPhen-2) suggests that this variant is likely to be tolerated. This variant has not been reported in the literature in individuals affected with CLPP-related conditions. This variant is not present in population databases (gnomAD no frequency). This sequence change replaces cysteine, which is neutral and slightly polar, with arginine, which is basic and polar, at codon 15 of the CLPP protein (p.Cys15Arg).